The following is an entry in ClinVar:

ClinVar aggregate classification (germline): Conflicting classifications of pathogenicity. Review status: criteria provided, conflicting classifications (1 of 4 stars). 4 submissions from 4 submitters: Uncertain significance (3); Likely benign (1). Last evaluated 2025-11-24.

Conditions:
Colorectal cancer, susceptibility to, 1. Also called: COLORECTAL ADENOMA AND CANCER, SUSCEPTIBILITY TO; COLORECTAL CANCER, SUSCEPTIBILITY TO, ON CHROMOSOME 9. Identifiers: MedGen C1837315, MONDO:0012132, OMIM 608812.

Allele frequency attached by ClinVar (database versions not stated): gnomAD 0.00003; ExAC 0.00004; gnomAD exomes 0.00005 and 0.00006; TOPMed 0.00006; ESP Exome Variant Server 0.00008.
gnomAD v4.1: 76 of 1,614,044 alleles (0.0047%); highest among the groups gnomAD compares: East Asian, 0.033%; no homozygotes.

Submissions (4):

Labcorp Genetics (formerly Invitae), Labcorp
Classification: Uncertain significance. Last evaluated: 2025-11-24. Review status: criteria provided, single submitter. Criteria: Invitae Variant Classification Sherloc (09022015). Collection method: clinical testing. Allele origin: germline.
Comment: This sequence change replaces glycine, which is neutral and non-polar, with serine, which is neutral and polar, at codon 277 of the GALNT12 protein (p.Gly277Ser). This variant is present in population databases (rs200420144, gnomAD 0.04%), and has an allele count higher than expected for a pathogenic variant. This variant has not been reported in the literature in individuals affected with GALNT12-related conditions. ClinVar contains an entry for this variant (Variation ID: 827561). Invitae Evidence Modeling of protein sequence and biophysical properties (such as structural, functional, and spatial information, amino acid conservation, physicochemical variation, residue mobility, and thermodynamic stability) indicates that this missense variant is not expected to disrupt GALNT12 protein function with a negative predictive value of 80%. In summary, the available evidence is currently insufficient to determine the role of this variant in disease. Therefore, it has been classified as a Variant of Uncertain Significance.

Quest Diagnostics Nichols Institute San Juan Capistrano
Classification: Likely benign. Last evaluated: 2025-05-28. Review status: criteria provided, single submitter. Criteria: Quest Diagnostics criteria. Collection method: clinical testing. Allele origin: unknown.

Ambry Genetics
Classification: Uncertain significance. Last evaluated: 2024-10-18. Review status: criteria provided, single submitter. Criteria: Ambry Variant Classification Scheme 2023. Collection method: clinical testing. Allele origin: germline.
Comment: The p.G277S variant (also known as c.829G>A), located in coding exon 4 of the GALNT12 gene, results from a G to A substitution at nucleotide position 829. The glycine at codon 277 is replaced by serine, an amino acid with similar properties. This amino acid position is highly conserved in available vertebrate species. In addition, this alteration is predicted to be deleterious by in silico analysis. Since supporting evidence is limited at this time, the clinical significance of this alteration remains unclear.

Baylor Genetics
Classification: Uncertain significance for Colorectal cancer, susceptibility to, 1. Last evaluated: 2024-03-05. Review status: criteria provided, single submitter. Criteria: ACMG Guidelines, 2015. Collection method: clinical testing. Allele origin: unknown.

Literature cited by the submitters: PubMed 31269945 (cited by Quest Diagnostics Nichols Institute San Juan Capistrano).

NM_024642.5(GALNT12):c.829G>A (p.Gly277Ser)

Gene: GALNT12 (polypeptide N-acetylgalactosaminyltransferase 12; plus strand). Cytogenetic location: 9q22.33.
Variant type: single nucleotide variant.
Coding change: c.829G>A on transcript NM_024642.5 (MANE Select); coding-DNA position 829, G replaced by A.
Protein change: p.Gly277Ser; replaces glycine 277 with serine.
Molecular consequence: missense variant.
Genome position (GRCh38, 1-based): chr9:98,831,869, G>A. VCF-style: chr9-98831869-G-A. GRCh37 (hg19) VCF-style: chr9-101594151-G-A.
Other names: short protein forms G277S.
Identifiers: ClinVar variation 827561 (VCV000827561.16), dbSNP rs200420144, ClinGen allele CA5154068.
Genomic context (GRCh38, chr9:98,831,869, plus strand): 5'-ATTGATGTGATCGACTGGAACACCTTCGAATACCTGGGGAACTCCGGGGAGCCCCAGATC[G>A]GCGGTTTCGACTGGAGGCTGGTGTTCACGTGGCACACAGTTCCTGAGAGGGAGAGGATAC-3'
Protein context (NP_078918.3, residues 267-287): YLGNSGEPQI[Gly277Ser]GFDWRLVFTW